The following is an entry in ClinVar:

NM_000553.6(WRN):c.1350+1G>C

Gene: WRN (WRN RecQ like helicase; plus strand). Cytogenetic location: 8p12.
Variant type: single nucleotide variant.
Coding change: c.1350+1G>C on transcript NM_000553.6 (MANE Select); the canonical splice donor site of the intron after coding-DNA position 1350, G replaced by C.
Molecular consequence: splice donor variant.
Genome position (GRCh38, 1-based): chr8:31,083,780, G>C. VCF-style: chr8-31083780-G-C. GRCh37 (hg19) VCF-style: chr8-30941296-G-C.
Identifiers: ClinVar variation 2128270 (VCV002128270.4), dbSNP rs752202315, ClinGen allele CA370922973.

ClinVar aggregate classification (germline): Likely pathogenic (1 of 4 stars; one submission).

Conditions:
Werner syndrome (WRN). Identifiers: Orphanet 902, MedGen C0043119, MONDO:0010196, OMIM 277700.

gnomAD v4.1: 1 of 1,461,136 alleles (0.000068%); no homozygotes.

Submission:

Labcorp Genetics (formerly Invitae), Labcorp
Classification: Likely pathogenic for Werner syndrome. Last evaluated: 2022-04-20. Review status: criteria provided, single submitter. Criteria: Invitae Variant Classification Sherloc (09022015). Collection method: clinical testing. Allele origin: germline.
Comment: In summary, the currently available evidence indicates that the variant is pathogenic, but additional data are needed to prove that conclusively. Therefore, this variant has been classified as Likely Pathogenic. Algorithms developed to predict the effect of sequence changes on RNA splicing suggest that this variant may disrupt the consensus splice site. This variant has not been reported in the literature in individuals affected with WRN-related conditions. This variant is present in population databases (no rsID available, gnomAD 0.007%). This sequence change affects a donor splice site in intron 10 of the WRN gene. It is expected to disrupt RNA splicing. Variants that disrupt the donor or acceptor splice site typically lead to a loss of protein function (PMID: 16199547), and loss-of-function variants in WRN are known to be pathogenic (PMID: 16673358).

Literature cited by the submitters: PubMed 16199547; PubMed 16673358.